The following is an entry in ClinVar:

NM_033026.6(PCLO):c.3307G>A (p.Glu1103Lys)

Gene: PCLO (piccolo presynaptic cytomatrix protein; minus strand). Cytogenetic location: 7q21.11.
Variant type: single nucleotide variant.
Coding change: c.3307G>A on transcript NM_033026.6 (MANE Select); coding-DNA position 3307, G replaced by A.
Protein change: p.Glu1103Lys; replaces glutamic acid 1103 with lysine.
Molecular consequence: missense variant.
Genome position (GRCh38, 1-based): chr7:82,966,481, C>T on the plus strand (G>A on the coding strand, the complement: PCLO is on the minus strand). VCF-style: chr7-82966481-C-T. GRCh37 (hg19) VCF-style: chr7-82595797-C-T.
Other names: c.3307G>A, p.Glu1103Lys (NM_014510.3); short protein forms E1103K.
Identifiers: ClinVar variation 1465549 (VCV001465549.6), dbSNP rs780629154, ClinGen allele CA4321059.

ClinVar aggregate classification (germline): Uncertain significance (1 of 4 stars; one submission).

Allele frequency attached by ClinVar (database versions not stated): gnomAD 0.00001.
gnomAD v4.1: 2 of 1,557,788 alleles (0.00013%); highest among the groups gnomAD compares: Non-Finnish European, 0.00017%; no homozygotes.

Submission:

Labcorp Genetics (formerly Invitae), Labcorp
Classification: Uncertain significance. Last evaluated: 2022-03-19. Review status: criteria provided, single submitter. Criteria: Invitae Variant Classification Sherloc (09022015). Collection method: clinical testing. Allele origin: germline.
Comment: This variant has not been reported in the literature in individuals affected with PCLO-related conditions. This sequence change replaces glutamic acid, which is acidic and polar, with lysine, which is basic and polar, at codon 1103 of the PCLO protein (p.Glu1103Lys). This variant is present in population databases (rs780629154, gnomAD 0.001%). Algorithms developed to predict the effect of missense changes on protein structure and function are either unavailable or do not agree on the potential impact of this missense change (SIFT: "Deleterious"; PolyPhen-2: "Not Available"; Align-GVGD: "Class C0"). In summary, the available evidence is currently insufficient to determine the role of this variant in disease. Therefore, it has been classified as a Variant of Uncertain Significance.